The following is an entry in ClinVar:

ClinVar aggregate classification (germline): Likely benign (1 of 4 stars; one submission).

Conditions:
Leigh syndrome (NULS). Also called: Leigh's necrotizing encephalopathy; Leigh's disease; Leigh Syndrome (mtDNA deletion); Leigh Disease; Subacute necrotizing encephalopathy; Necrotizing encephalopathy infantile subacute of Leigh. Identifiers: Orphanet 506, MedGen C2931891, MONDO:0009723, OMIM 256000.

Submission:

Wong Mito Lab, Molecular and Human Genetics, Baylor College of Medicine
Classification: Likely benign for Leigh syndrome. Last evaluated: 2019-10-17. Review status: criteria provided, single submitter. Criteria: Modified ACMG Guidelines (Unpublished). Collection method: clinical testing. Allele origin: germline.
Comment: The NC_012920.1:m.4243A>G (YP_003024026.1:p.Ser313Gly) variant in MTND1 gene is interpretated to be a Likely Benign variant based on the modified ACMG guidelines (unpublished). This variant meets the following evidence codes: BS1, BP4

NC_012920.1(MT-ND1):m.4243A>G

Gene: MT-ND1 (mitochondrially encoded NADH dehydrogenase 1; plus strand).
Variant type: single nucleotide variant.
Genome position: chrM-4243-A-G.
Identifiers: ClinVar variation 692442 (VCV000692442.1), dbSNP rs1603219373, ClinGen allele CA414774500.